The following is an entry in ClinVar:

NM_001123385.2(BCOR):c.2650C>G (p.Leu884Val)

Gene: BCOR (BCL6 corepressor; minus strand). Cytogenetic location: Xp11.4.
Variant type: single nucleotide variant.
Coding change: c.2650C>G on transcript NM_001123385.2 (MANE Select); coding-DNA position 2650, C replaced by G.
Protein change: p.Leu884Val; replaces leucine 884 with valine.
Molecular consequence: missense variant.
Genome position (GRCh38, 1-based): chrX:40,072,696, G>C on the plus strand (C>G on the coding strand, the complement: BCOR is on the minus strand). VCF-style: chrX-40072696-G-C. GRCh37 (hg19) VCF-style: chrX-39931949-G-C.
Other names: c.2650C>G, p.Leu884Val (NM_001123383.2, NM_001123384.2, NM_017745.6); short protein forms L884V.
Identifiers: ClinVar variation 2660310 (VCV002660310.25), dbSNP rs1442932290, ClinGen allele CA412742142.

ClinVar aggregate classification (germline): Likely benign. Review status: criteria provided, multiple submitters, no conflicts (2 of 4 stars). 2 submissions from 2 submitters: Likely benign (2). Last evaluated 2022-08-01.

Allele frequency attached by ClinVar (database versions not stated): gnomAD exomes below 0.00001.
gnomAD v4.1: 2 of 1,212,080 alleles (0.00017%); highest among the groups gnomAD compares: Middle Eastern, 0.023%; no homozygotes.

Submissions (2):

CeGaT Center for Human Genetics Tuebingen
Classification: Likely benign. Last evaluated: 2022-08-01. Review status: criteria provided, single submitter. Criteria: CeGaT Center For Human Genetics Tuebingen Variant Classification Criteria Version 2. Collection method: clinical testing. Allele origin: germline. Affected: yes. Observed: 1 variant allele.
Comment: BCOR: BP4, BS2

Blueprint Genetics
Classification: Likely benign. Last evaluated: 2019-11-22. Review status: criteria provided, single submitter. Criteria: ACMG Guidelines, 2015. Collection method: clinical testing. Allele origin: germline.